The following is an entry in ClinVar:

Conditions:
Long QT syndrome 5 (LQT5). Identifiers: Orphanet 101016, Orphanet 768, MedGen C1867904, MONDO:0013372, OMIM 613695.

Submission:

Roden Lab, Vanderbilt University Medical Center
No classification provided (evidence only). Condition: Long QT syndrome 5. Review status: no classification provided. Collection method: in vitro. Allele origin: not applicable. Functional consequence: Effect on ion channel function.
ClinVar note: "not provided" was previously submitted as the classification for the variant. However, the classification appeared to be based only on an observation of functional data so it was converted to no classification on 2025-07-30.

NM_000219.6(KCNE1):c.71G>T (p.Gly24Val)

Gene: KCNE1 (potassium voltage-gated channel subfamily E regulatory subunit 1; minus strand). Cytogenetic location: 21q22.12.
Variant type: single nucleotide variant.
Coding change: c.71G>T on transcript NM_000219.6 (MANE Select); coding-DNA position 71, G replaced by T.
Protein change: p.Gly24Val; replaces glycine 24 with valine.
Molecular consequence: missense variant.
Genome position (GRCh38, 1-based): chr21:34,449,564, C>A on the plus strand (G>T on the coding strand, the complement: KCNE1 is on the minus strand). VCF-style: chr21-34449564-C-A. GRCh37 (hg19) VCF-style: chr21-35821862-C-A.
Other names: c.71G>T, p.Gly24Val (NM_001127668.4, NM_001127669.4, NM_001127670.4 and 4 more transcripts); short protein forms G24V.
Identifiers: ClinVar variation 3373970 (VCV003373970.2).
Genomic context (GRCh38, chr21:34,449,564, plus strand): 5'-GCCTCCAGCTTGCCGTCACTGCTGCGGGGGGACCTGCGGGCCAGGCCCGACATGTTGCCA[C>A]CCTGCTGAACTGTCTCCTGCCACAGCTTGGTCAGAAAGGGCGTCACCGCTGTGGTGTTAG-3'
Protein context (NP_000210.2, residues 14-34): TKLWQETVQQ[Gly24Val]GNMSGLARRS